The following is an entry in ClinVar:

ClinVar aggregate classification (germline): Benign/Likely benign. Review status: criteria provided, multiple submitters, no conflicts (2 of 4 stars). 2 submissions from 2 submitters: Benign (1); Likely benign (1). Last evaluated 2025-12-09.

Conditions:
Myasthenic syndrome, congenital, 22 (CMS22). Also called: PREPL DEFICIENCY. Identifiers: MedGen C4479088, MONDO:0044299, OMIM 616224.
PREPL-related disorder. Also called: PREPL-related condition.

Allele frequency attached by ClinVar (database versions not stated): gnomAD 0.00004 and 0.00005; ESP Exome Variant Server 0.00008; TOPMed 0.00019; ExAC 0.00028; gnomAD exomes 0.00042.
gnomAD v4.1: 113 of 1,613,116 alleles (0.007%); highest among the groups gnomAD compares: Admixed American, 0.18%; 1 homozygote.

Submissions (2):

Labcorp Genetics (formerly Invitae), Labcorp
Classification: Benign for Myasthenic syndrome, congenital, 22. Last evaluated: 2025-12-09. Review status: criteria provided, single submitter. Criteria: Invitae Variant Classification Sherloc (09022015). Collection method: clinical testing. Allele origin: germline.

PreventionGenetics, part of Exact Sciences
Classification: Likely benign for PREPL-related condition. Last evaluated: 2025-03-04. Review status: criteria provided, single submitter. Criteria: ACMG Guidelines, 2015. Collection method: clinical testing. Allele origin: germline.
Comment: This variant is classified as likely benign based on ACMG/AMP sequence variant interpretation guidelines (Richards et al. 2015 PMID: 25741868, with internal and published modifications).

NM_001171613.2(PREPL):c.-49+1735A>G

Gene: PREPL (prolyl endopeptidase like; minus strand). Cytogenetic location: 2p21.
Variant type: single nucleotide variant.
Coding change: c.-49+1735A>G on transcript NM_001171613.2 (MANE Select); 1735 bases into the intron after 49 bases upstream of the start codon, A replaced by G.
Molecular consequence: intron variant. On other transcripts: missense variant (7).
Genome position (GRCh38, 1-based): chr2:44,359,645, T>C on the plus strand (A>G on the coding strand, the complement: PREPL is on the minus strand). VCF-style: chr2-44359645-T-C. GRCh37 (hg19) VCF-style: chr2-44586784-T-C.
Other names: c.71A>G, p.Gln24Arg (NM_001042385.2, NM_001042386.2, NM_001171603.1 and 4 more transcripts); c.-49+1879A>G (NM_001171617.1); c.-49+1772A>G (NM_001374277.1); short protein forms Q24R.
Identifiers: ClinVar variation 704262 (VCV000704262.11), dbSNP rs374974603, ClinGen allele CA1641760.
Genomic context (GRCh38, chr2:44,359,645, plus strand): 5'-TTCAATTTTATTCTATTGTAACAATGATCAGCGAAGTTATAGTGATTCAAATGCTGTTTC[T>C]GCATGCATTTTCCAAGGTGAGGAATACTATACTTCAAAGCTTGGAGAAATAATTTGGTCT-3'